The following is an entry in ClinVar:

ClinVar aggregate classification (germline): Uncertain significance. Review status: criteria provided, multiple submitters, no conflicts (2 of 4 stars). 2 submissions from 2 submitters: Uncertain significance (2). Last evaluated 2026-08-06.

Allele frequency attached by ClinVar (database versions not stated): gnomAD exomes below 0.00001; gnomAD 0.00001.
gnomAD v4.1: 2 of 1,613,852 alleles (0.00012%); highest among the groups gnomAD compares: African/African-American, 0.0013%; no homozygotes.

Submissions (2):

OLLIN Analises Genomicas, OLLIN
Classification: Uncertain significance. Last evaluated: 2026-08-06. Review status: criteria provided, single submitter. Criteria: ACMG Guidelines 2015 PMID 25741868. Collection method: clinical testing. Allele origin: germline.
Comment: This missense variant, located in exon 2 (of 9), has been reported in ClinVar (accession VCV001908792.2) and in gnomAD with an allele frequency of 0.00012%. However, to our knowledge, it has not been reported in the scientific literature. In silico analysis predicts that this variant has a deleterious effect. According to the currently available evidence, this variant has been classified as uncertain significance (PM2_P, PP3_M).

Labcorp Genetics (formerly Invitae), Labcorp
Classification: Uncertain significance. Last evaluated: 2022-08-17. Review status: criteria provided, single submitter. Criteria: Invitae Variant Classification Sherloc (09022015). Collection method: clinical testing. Allele origin: germline.
Comment: This sequence change replaces glycine, which is neutral and non-polar, with arginine, which is basic and polar, at codon 78 of the COX15 protein (p.Gly78Arg). This variant is not present in population databases (gnomAD no frequency). This missense change has been observed in individual(s) with complex IV deficiency (PMID: 33746038). Algorithms developed to predict the effect of missense changes on protein structure and function are either unavailable or do not agree on the potential impact of this missense change (SIFT: "Not Available"; PolyPhen-2: "Probably Damaging"; Align-GVGD: "Not Available"). Algorithms developed to predict the effect of sequence changes on RNA splicing suggest that this variant may disrupt the consensus splice site. In summary, the available evidence is currently insufficient to determine the role of this variant in disease. Therefore, it has been classified as a Variant of Uncertain Significance.

Literature cited by the submitters: PubMed 33746038 (cited by Labcorp Genetics (formerly Invitae), Labcorp).

NM_078470.6(COX15):c.232G>A (p.Gly78Arg)

Gene: COX15 (cytochrome c oxidase assembly factor COX15; minus strand). Cytogenetic location: 10q24.2.
Variant type: single nucleotide variant.
Coding change: c.232G>A on transcript NM_078470.6 (MANE Select); coding-DNA position 232, G replaced by A.
Protein change: p.Gly78Arg; replaces glycine 78 with arginine.
Molecular consequence: missense variant. On other transcripts: 5 prime UTR variant (1), non-coding transcript variant (1).
Genome position (GRCh38, 1-based): chr10:99,729,593, C>T on the plus strand (G>A on the coding strand, the complement: COX15 is on the minus strand). VCF-style: chr10-99729593-C-T. GRCh37 (hg19) VCF-style: chr10-101489350-C-T.
Other names: c.232G>A, p.Gly78Arg (NM_001320974.2, NM_001320975.2, NM_001372024.1 and 5 more transcripts); c.-223G>A (NM_001320976.2); short protein forms G78R.
Identifiers: ClinVar variation 1908792 (VCV001908792.3), dbSNP rs2037071607, ClinGen allele CA378090028.
Genomic context (GRCh38, chr10:99,729,593, plus strand): 5'-ACTACGAGCAAATTACTTACCTAGTTACTCCACCAAGAATAACTGCTCCAGCCACTGTTC[C>T]ACTGCAGACCAGGAGCCATCGGCCCACCACCCGCTCAGCAGCCTTTGAGGGAAGGGACAC-3'
Protein context (NP_510870.1, residues 68-88): VVGRWLLVCS[Gly78Arg]TVAGAVILGG